The following is an entry in ClinVar:

ClinVar aggregate classification (germline): Uncertain significance (1 of 4 stars; one submission).

Conditions:
Hereditary cancer-predisposing syndrome. Also called: Neoplastic Syndromes, Hereditary; Tumor predisposition; Hereditary Cancer Syndrome; Hereditary neoplastic syndrome. Identifiers: Orphanet 140162, MedGen C0027672, MeSH D009386, MONDO:0015356.

Submission:

Ambry Genetics
Classification: Uncertain significance for Hereditary cancer-predisposing syndrome. Last evaluated: 2026-04-02. Review status: criteria provided, single submitter. Criteria: Ambry Variant Classification Scheme 2023. Collection method: clinical testing. Allele origin: germline.
Comment: The c.7_8delGCinsAT variant (also known as p.A3I), located in coding exon 1 of the APC gene, results from an in-frame deletion of GC and insertion of AT at nucleotide positions 7 to 8. This results in the substitution of the alanine residue for an isoleucine residue at codon 3, an amino acid with similar properties. This amino acid position is highly conserved in available vertebrate species. In addition, in silico predictors for this gene do not accurately predict pathogenicity. Based on the available evidence, the clinical significance of this variant remains unclear.

NM_000038.6(APC):c.7_8delinsAT (p.Ala3Ile)

Gene: APC (APC regulator of Wnt signaling pathway; plus strand). Cytogenetic location: 5q22.2.
Variant type: Indel.
Coding change: c.7_8delinsAT on transcript NM_000038.6 (MANE Select); coding-DNA positions 7 to 8, GC replaced by AT.
Protein change: p.Ala3Ile; replaces alanine 3 with isoleucine.
Molecular consequence: missense variant. On other transcripts: intron variant (11), 5 prime UTR variant (4), non-coding transcript variant (2).
Genome position (GRCh38, 1-based): chr5:112,754,897-112,754,898, GC replaced by AT. VCF-style: chr5-112754897-GC-AT. GRCh37 (hg19) VCF-style: chr5-112090594-GC-AT.
Other names: c.61-11429_61-11428delinsAT (NM_001354904.2, NM_001407451.1, NM_001354898.2); c.-42-11429_-42-11428delinsAT (NM_001354900.2, NM_001354901.2, NM_001354905.2 and 1 more transcripts); c.7_8delinsAT, p.Ala3Ile (NM_001407454.1, NM_001407455.1, NM_001407456.1 and 16 more transcripts); c.-1029_-1028delinsAT (NM_001407470.1, NM_001407471.1, NM_001407472.1 and 1 more transcripts); c.166-11429_166-11428delinsAT (NM_001407446.1, NM_001354897.2, NM_001354902.2 and 1 more transcripts); short protein forms A3I.
Identifiers: ClinVar variation 4861006 (VCV004861006.1).
Genomic context (GRCh38, chr5:112,754,897, plus strand): 5'-TAGTAGTGAATTTCAAAATCCTTTTTAACCTTATAGGTCCAAGGGTAGCCAAGGATGGCT[GC>AT]AGCTTCATATGATCAGTTGTTAAAGCAAGTTGAGGCACTGAAGATGGAGAACTCAAATCT-3'
Protein context (NP_000029.2, residues 1-13): MA[Ala3Ile]ASYDQLLKQV